The following is an entry in ClinVar:

ClinVar aggregate classification (germline): Uncertain significance (1 of 4 stars; one submission).

Conditions:
Acute myeloid leukemia (AML). Also called: Acute myeloid leukemia, adult; AML adult; Acute non-lymphocytic leukemia; Acute granulocytic leukemia; Leukemia, acute myeloid, somatic; Leukemia, acute myelogenous, somatic. Identifiers: Orphanet 519, MedGen C0023467, MeSH D015470, MONDO:0018874, OMIM 601626, HP:0004808. Disease mechanism: Constitutively activated FLT3.

Submission:

Labcorp Genetics (formerly Invitae), Labcorp
Classification: Uncertain significance for Acute myeloid leukemia. Last evaluated: 2023-07-25. Review status: criteria provided, single submitter. Criteria: Invitae Variant Classification Sherloc (09022015). Collection method: clinical testing. Allele origin: germline.
Comment: Algorithms developed to predict the effect of missense changes on protein structure and function output the following: SIFT: "Not Available"; PolyPhen-2: "Benign"; Align-GVGD: "Not Available". The valine amino acid residue is found in multiple mammalian species, which suggests that this missense change does not adversely affect protein function. This sequence change replaces alanine, which is neutral and non-polar, with valine, which is neutral and non-polar, at codon 9 of the CEBPA protein (p.Ala9Val). This variant is not present in population databases (gnomAD no frequency). This variant has not been reported in the literature in individuals affected with CEBPA-related conditions. ClinVar contains an entry for this variant (Variation ID: 1972549). In summary, the available evidence is currently insufficient to determine the role of this variant in disease. Therefore, it has been classified as a Variant of Uncertain Significance.

NM_004364.5(CEBPA):c.26C>T (p.Ala9Val)

Genes: CEBPA (CCAAT enhancer binding protein alpha; minus strand), LOC130064183 (ATAC-STARR-seq lymphoblastoid silent region 10495; plus strand). Cytogenetic location: 19q13.11.
Variant type: single nucleotide variant.
Coding change: c.26C>T on transcript NM_004364.5 (MANE Select); coding-DNA position 26, C replaced by T.
Protein change: p.Ala9Val; replaces alanine 9 with valine.
Molecular consequence: missense variant. On other transcripts: 5 prime UTR variant (2).
Genome position (GRCh38, 1-based): chr19:33,302,389, G>A on the plus strand (C>T on the coding strand, the complement: CEBPA is on the minus strand). VCF-style: chr19-33302389-G-A. GRCh37 (hg19) VCF-style: chr19-33793295-G-A.
Other names: c.-332C>T (NM_001285829.2); c.131C>T, p.Ala44Val (NM_001287424.2); c.-17C>T (NM_001287435.2); short protein forms A9V, A44V.
Identifiers: ClinVar variation 1972549 (VCV001972549.5), dbSNP rs2145265055, ClinGen allele CA405275832.